The following is an entry in ClinVar:

NM_000326.5(RLBP1):c.347-10C>T

Gene: RLBP1 (retinaldehyde binding protein 1; minus strand). Cytogenetic location: 15q26.1.
Variant type: single nucleotide variant.
Coding change: c.347-10C>T on transcript NM_000326.5 (MANE Select); 10 bases into the intron before coding-DNA position 347, C replaced by T.
Molecular consequence: intron variant.
Genome position (GRCh38, 1-based): chr15:89,215,248, G>A on the plus strand (C>T on the coding strand, the complement: RLBP1 is on the minus strand). VCF-style: chr15-89215248-G-A. GRCh37 (hg19) VCF-style: chr15-89758479-G-A.
Other names: c.347-10C>T (NM_000326.4).
Identifiers: ClinVar variation 1136987 (VCV001136987.11), dbSNP rs200717672, ClinGen allele CA7722305.
Genomic context (GRCh38, chr15:89,215,248, plus strand): 5'-GGGACAGGCTGTCAAAGAGCTCAGGGTACTGCAGCCGGAAATTCACATAGCCTGGAGGAA[G>A]GAGAGCAGAGGAACCCCCTCAGGGAGCCATCCCATCCCTACCCCATCCCTCCTAGTGGGA-3'

ClinVar aggregate classification (germline): Likely benign. Review status: criteria provided, multiple submitters, no conflicts (2 of 4 stars). 3 submissions from 3 submitters: Likely benign (3). Last evaluated 2026-01-14.

Conditions:
RLBP1-related disorder. Also called: RLBP1-related condition; RLBP1-related disorders. Identifiers: MedGen CN239413.

Allele frequency attached by ClinVar (database versions not stated): TOPMed 0.00044; 1000 Genomes Project 30x 0.00047; gnomAD exomes 0.00004 and 0.00012; ExAC 0.00011; gnomAD 0.00023; ESP Exome Variant Server 0.00031; 1000 Genomes Project 0.00040.
gnomAD v4.1: 113 of 1,614,002 alleles (0.007%); highest among the groups gnomAD compares: African/African-American, 0.1%; no homozygotes.

Submissions (3):

Labcorp Genetics (formerly Invitae), Labcorp
Classification: Likely benign. Last evaluated: 2026-01-14. Review status: criteria provided, single submitter. Criteria: Invitae Variant Classification Sherloc (09022015). Collection method: clinical testing. Allele origin: germline.

PreventionGenetics, part of Exact Sciences
Classification: Likely benign for RLBP1-related condition. Last evaluated: 2024-12-26. Review status: criteria provided, single submitter. Criteria: ACMG Guidelines, 2015. Collection method: clinical testing. Allele origin: germline.
Comment: This variant is classified as likely benign based on ACMG/AMP sequence variant interpretation guidelines (Richards et al. 2015 PMID: 25741868, with internal and published modifications).

Blueprint Genetics
Classification: Likely benign. Last evaluated: 2024-05-09. Review status: criteria provided, single submitter. Criteria: ACMG Guidelines, 2015. Collection method: clinical testing. Allele origin: germline.